The following is an entry in ClinVar:

ClinVar aggregate classification (germline): Conflicting classifications of pathogenicity. Review status: criteria provided, conflicting classifications (1 of 4 stars). 2 submissions from 2 submitters: Uncertain significance (1); Likely benign (1). Last evaluated 2026-06-16.

Conditions:
Hereditary cancer-predisposing syndrome. Also called: Hereditary Cancer Syndrome; Hereditary neoplastic syndrome; Neoplastic Syndromes, Hereditary; Tumor predisposition. Identifiers: Orphanet 140162, MedGen C0027672, MeSH D009386, MONDO:0015356.
Renal cell carcinoma. Identifiers: Orphanet 217071, MedGen C0007134, MeSH D002292, MONDO:0005086, HP:0005584.

Allele frequency attached by ClinVar (database versions not stated): gnomAD 0.00001.
gnomAD v4.1: 1 of 1,613,920 alleles (0.000062%); highest among the groups gnomAD compares: African/African-American, 0.0013%; no homozygotes.

Submissions (2):

Ambry Genetics
Classification: Likely benign for Hereditary cancer-predisposing syndrome. Last evaluated: 2026-06-16. Review status: criteria provided, single submitter. Criteria: Ambry Variant Classification Scheme 2023. Collection method: clinical testing. Allele origin: germline.

Labcorp Genetics (formerly Invitae), Labcorp
Classification: Uncertain significance for Renal cell carcinoma. Last evaluated: 2023-11-28. Review status: criteria provided, single submitter. Criteria: Invitae Variant Classification Sherloc (09022015). Collection method: clinical testing. Allele origin: germline.
Comment: This sequence change replaces asparagine, which is neutral and polar, with threonine, which is neutral and polar, at codon 202 of the MET protein (p.Asn202Thr). This variant is not present in population databases (gnomAD no frequency). This variant has not been reported in the literature in individuals affected with MET-related conditions. Advanced modeling of protein sequence and biophysical properties (such as structural, functional, and spatial information, amino acid conservation, physicochemical variation, residue mobility, and thermodynamic stability) performed at Invitae indicates that this missense variant is not expected to disrupt MET protein function with a negative predictive value of 80%. In summary, the available evidence is currently insufficient to determine the role of this variant in disease. Therefore, it has been classified as a Variant of Uncertain Significance.

NM_000245.4(MET):c.605A>C (p.Asn202Thr)

Gene: MET (MET proto-oncogene, receptor tyrosine kinase; plus strand). Cytogenetic location: 7q31.2.
Variant type: single nucleotide variant.
Coding change: c.605A>C on transcript NM_000245.4 (MANE Select); coding-DNA position 605, A replaced by C.
Protein change: p.Asn202Thr; replaces asparagine 202 with threonine.
Molecular consequence: missense variant. On other transcripts: intron variant (1).
Genome position (GRCh38, 1-based): chr7:116,699,689, A>C. VCF-style: chr7-116699689-A-C. GRCh37 (hg19) VCF-style: chr7-116339743-A-C.
Other names: c.605A>C, p.Asn202Thr (NM_001127500.3, NM_001324401.3); c.-91+27112A>C (NM_001324402.2); short protein forms N202T.
Identifiers: ClinVar variation 2809238 (VCV002809238.5), dbSNP rs1791491672, ClinGen allele CA368969444.